The following is an entry in ClinVar:

ClinVar aggregate classification (germline): Uncertain significance. Review status: criteria provided, multiple submitters, no conflicts (2 of 4 stars). 6 submissions from 6 submitters: Uncertain significance (6). Last evaluated 2025-08-04.

Conditions:
Hereditary cancer-predisposing syndrome. Also called: Tumor predisposition; Hereditary Cancer Syndrome; Neoplastic Syndromes, Hereditary; Hereditary neoplastic syndrome. Identifiers: Orphanet 140162, MedGen C0027672, MeSH D009386, MONDO:0015356.
Hereditary breast ovarian cancer syndrome. Also called: Breast and ovarian cancer; Hereditary breast and ovarian cancer; Hereditary breast and ovarian cancer syndrome; Hereditary breast and/or ovarian cancer syndrome; BRCA1- and BRCA2-Associated Hereditary Breast and Ovarian Cancer; Hereditary breast and ovarian cancer syndrome (HBOC). Identifiers: Orphanet 145, MedGen C0677776, MeSH D061325, MONDO:0003582. Disease mechanism: loss of function.
Breast-ovarian cancer, familial, susceptibility to, 1 (BROVCA1). Also called: BRCA1 Hereditary Breast and Ovarian Cancer; OVARIAN CANCER, SUSCEPTIBILITY TO. Identifiers: Orphanet 145, MedGen C2676676, MONDO:0011450, OMIM 604370. Disease mechanism: loss of function.

Submissions (6):

Ambry Genetics
Classification: Uncertain significance for Hereditary cancer-predisposing syndrome. Last evaluated: 2025-08-04. Review status: criteria provided, single submitter. Criteria: Ambry Variant Classification Scheme 2023. Collection method: clinical testing. Allele origin: germline.
Comment: The p.D1557G variant (also known as c.4670A>G or 4789A>G), located in coding exon 13 of the BRCA1 gene, results from an A to G substitution at nucleotide position 4670. The aspartic acid at codon 1557 is replaced by glycine, an amino acid with similar properties. This amino acid position is well conserved in available vertebrate species. In addition, this alteration is predicted to be deleterious by in silico analysis. Since supporting evidence is limited at this time, the clinical significance of this alteration remains unclear.

Molecular Pathology, Peter Maccallum Cancer Centre
Classification: Uncertain significance for Breast-ovarian cancer, familial, susceptibility to, 1. Last evaluated: 2024-11-12. Review status: criteria provided, single submitter. Criteria: ACMG Guidelines, 2015. Collection method: clinical testing. Allele origin: germline. Inheritance: Autosomal dominant inheritance.

Labcorp Genetics (formerly Invitae), Labcorp
Classification: Uncertain significance for Hereditary breast ovarian cancer syndrome. Last evaluated: 2022-10-23. Review status: criteria provided, single submitter. Criteria: Invitae Variant Classification Sherloc (09022015). Collection method: clinical testing. Allele origin: germline.
Comment: In summary, the available evidence is currently insufficient to determine the role of this variant in disease. Therefore, it has been classified as a Variant of Uncertain Significance. Advanced modeling of protein sequence and biophysical properties (such as structural, functional, and spatial information, amino acid conservation, physicochemical variation, residue mobility, and thermodynamic stability) performed at Invitae indicates that this missense variant is not expected to disrupt BRCA1 protein function. ClinVar contains an entry for this variant (Variation ID: 225710). This missense change has been observed in individual(s) with ovarian cancer (PMID: 28692638). This variant is not present in population databases (gnomAD no frequency). This sequence change replaces aspartic acid, which is acidic and polar, with glycine, which is neutral and non-polar, at codon 1557 of the BRCA1 protein (p.Asp1557Gly).

Color Diagnostics, LLC DBA Color Health
Classification: Uncertain significance for Hereditary cancer-predisposing syndrome. Last evaluated: 2019-02-01. Review status: criteria provided, single submitter. Criteria: ACMG Guidelines, 2015. Collection method: clinical testing. Allele origin: germline.

Women's Health and Genetics/Laboratory Corporation of America, LabCorp
Classification: Uncertain significance. Last evaluated: 2017-09-18. Review status: criteria provided, single submitter. Criteria: LabCorp Variant Classification Summary - May 2015. Collection method: clinical testing. Allele origin: germline.
Comment: Variant summary: The BRCA1 c.4670A>G (p.Asp1557Gly) variant involves the alteration of a conserved nucleotide. 2/4 in silico tools predict a benign outcome for this variant (SNPsandGO not captured due to low reliability index). This variant is absent in 245912 control chromosomes. One clinical diagnostic laboratories classified this variant as one of uncertain significance. The variant of interest has not, to our knowledge, been reported in affected individuals via publications, nor evaluated for functional impact by in vivo/vitro studies. Because of the absence of clinical information and the lack of functional studies, the variant is classified as a variant of uncertain significance (VUS) until additional information becomes available.

Molecular Genetics Laboratory, University of Michigan
Classification: Uncertain significance for Breast-ovarian cancer, familial, susceptibility to, 1. Last evaluated: 2014-11-03. Review status: criteria provided, single submitter. Criteria: ACMG Guidelines, 2015. Collection method: clinical testing. Allele origin: germline. Affected: yes.

Literature cited by the submitters: PubMed 28692638 (cited by Labcorp Genetics (formerly Invitae), Labcorp).

NM_007294.4(BRCA1):c.4670A>G (p.Asp1557Gly)

Gene: BRCA1 (BRCA1 DNA repair associated; minus strand). Cytogenetic location: 17q21.31.
Variant type: single nucleotide variant.
Coding change: c.4670A>G on transcript NM_007294.4 (MANE Select); coding-DNA position 4670, A replaced by G.
Protein change: p.Asp1557Gly; replaces aspartic acid 1557 with glycine.
Molecular consequence: missense variant. On other transcripts: non-coding transcript variant (1).
Genome position (GRCh38, 1-based): chr17:43,074,336, T>C on the plus strand (A>G on the coding strand, the complement: BRCA1 is on the minus strand). VCF-style: chr17-43074336-T-C. GRCh37 (hg19) VCF-style: chr17-41226353-T-C.
Other names: c.4523A>G, p.Asp1508Gly (NM_001407846.1, NM_001407847.1, NM_001407848.1 and 12 more transcripts); c.4670A>G, p.Asp1557Gly (NM_001407854.1, NM_001407593.1, NM_001407594.1 and 8 more transcripts); c.4460A>G, p.Asp1487Gly (NM_001407882.1, NM_001407884.1, NM_001407885.1 and 5 more transcripts); c.4457A>G, p.Asp1486Gly (NM_001407894.1, NM_001407895.1, NM_001407896.1 and 12 more transcripts); c.4454A>G, p.Asp1485Gly (NM_001407915.1, NM_001407916.1, NM_001407917.1 and 1 more transcripts); c.4547A>G, p.Asp1516Gly (NM_001407919.1, NM_001407937.1, NM_001407938.1 and 6 more transcripts); c.4406A>G, p.Asp1469Gly (NM_001407920.1, NM_001407921.1, NM_001407922.1 and 4 more transcripts); c.4403A>G, p.Asp1468Gly (NM_001407933.1, NM_001407927.1, NM_001407928.1 and 4 more transcripts); and 68 more; short protein forms D1557G, D1578G, D453G, D1510G, D1261G, D1444G, D1467G, D1468G.
Identifiers: ClinVar variation 225710 (VCV000225710.23), dbSNP rs869320779, ClinGen allele CA10576082.